The following is an entry in ClinVar:

NM_000492.4(CFTR):c.3963+1G>T

Gene: CFTR (CF transmembrane conductance regulator; plus strand). Cytogenetic location: 7q31.2.
Variant type: single nucleotide variant.
Coding change: c.3963+1G>T on transcript NM_000492.4 (MANE Select); the canonical splice donor site of the intron after coding-DNA position 3963, G replaced by T.
Molecular consequence: splice donor variant.
Genome position (GRCh38, 1-based): chr7:117,652,932, G>T. VCF-style: chr7-117652932-G-T. GRCh37 (hg19) VCF-style: chr7-117292986-G-T.
Identifiers: ClinVar variation 1736532 (VCV001736532.3), dbSNP rs672601314, ClinGen allele CA368978723.

ClinVar aggregate classification (germline): Likely pathogenic. Review status: criteria provided, multiple submitters, no conflicts (2 of 4 stars). 2 submissions from 2 submitters: Likely pathogenic (2). Last evaluated 2024-03-23.

Conditions:
CFTR-related disorder (CFTR-RD). Also called: CFTR-related condition; CFTR-related disorders. Identifiers: MedGen C5924204, MONDO:7770004.
Cystic fibrosis (CF). Also called: MUCOVISCIDOSIS. Identifiers: Orphanet 586, MedGen C0010674, MONDO:0009061, OMIM 219700. Disease mechanism: loss of function.

gnomAD v4.1: 1 of 1,576,888 alleles (0.000063%); highest among the groups gnomAD compares: Non-Finnish European, 0.000087%; no homozygotes.

Submissions (2):

Natera, Inc.
Classification: Likely pathogenic for CFTR-related disorders. Last evaluated: 2024-03-23. Review status: criteria provided, single submitter. Criteria: Natera Variant Classification Schema (03/2026). Collection method: clinical testing. Allele origin: germline.
Comment: The c.3963+1G>T variant in CFTR is a canonical splice donor site variant predicted to affect pre-mRNA splicing, which may result in an abnormal transcript and altered protein product. This variant is expected to result in nonsense mediated decay, truncation, or a dysfunctional protein product. This variant is rare in the general population with a frequency below the threshold expected for the associated phenotype(s). This variant has been observed in one or more individuals affected with the associated recessive disease, as either homozygous or compound heterozygous with a second variant (PMID: 30548586). Given the available evidence, this variant is classified as Likely Pathogenic.

Ambry Genetics
Classification: Likely pathogenic for Cystic fibrosis. Last evaluated: 2015-04-02. Review status: criteria provided, single submitter. Criteria: Ambry Variant Classification Scheme 2023. Collection method: clinical testing. Allele origin: germline.
Comment: The c.3963+1G>T intronic likely pathogenic variant results from a G to T one nucleotide after coding exon 24 of the CFTR gene. This variant was not reported in population based cohorts in the following databases: Database of Single Nucleotide Polymorphisms (dbSNP), NHLBI Exome Sequencing Project (ESP), and 1000 Genomes Project. In the ESP, this variant was not observed in 6503 samples (13006 alleles) with coverage at this position. Using the BDGP and ESEfinder splice site prediction tools, this alteration is predicted to abolish the native donor splice site; however, direct evidence is unavailable. This nucleotide position is highly conserved in available vertebrate species. Alterations that disrupt the canonical splice donor site are typically deleterious in nature (ACMG Recommendations for Standards for Interpretation and Reporting of Sequence Variations. Revision 2007. Genet Med. 2008;10:294). As such, the c.3963+1G>T variant is classified as likely pathogenic.

Literature cited by the submitters: PubMed 30548586 (cited by Natera, Inc.).